The following is an entry in ClinVar:

NM_002382.5(MAX):c.172-6220G>A

Gene: MAX (MYC associated transcriptional regulator X; minus strand). Cytogenetic location: 14q23.3.
Variant type: single nucleotide variant.
Coding change: c.172-6220G>A on transcript NM_002382.5 (MANE Select); 6220 bases into the intron before coding-DNA position 172, G replaced by A.
Molecular consequence: intron variant. On other transcripts: missense variant (4), non-coding transcript variant (4).
Genome position (GRCh38, 1-based): chr14:65,084,256, C>T on the plus strand (G>A on the coding strand, the complement: MAX is on the minus strand). VCF-style: chr14-65084256-C-T. GRCh37 (hg19) VCF-style: chr14-65550974-C-T.
Other names: c.188G>A, p.Arg63His (NM_001271068.2, NM_001407113.1); c.238G>A, p.Val80Ile (NM_001407114.1); c.215G>A, p.Arg72His (NM_145114.3); c.144+9452G>A (NM_001271069.2); c.171+9452G>A (NM_197957.4); c.-196-6220G>A (NM_001407112.1, NM_001407111.1); c.-103-6220G>A (NM_001407106.1, NM_001407107.1, NM_001320415.2 and 1 more transcripts); c.145-6220G>A (NM_001407095.1, NM_001407110.1, NM_001407102.1 and 6 more transcripts); and 2 more; short protein forms R72H, V80I, R63H.
Identifiers: ClinVar variation 5023954 (VCV005023954.1).

ClinVar aggregate classification (germline): Uncertain significance (1 of 4 stars; one submission).

Conditions:
Hereditary cancer-predisposing syndrome. Also called: Neoplastic Syndromes, Hereditary; Tumor predisposition; Hereditary neoplastic syndrome; Hereditary Cancer Syndrome. Identifiers: Orphanet 140162, MedGen C0027672, MeSH D009386, MONDO:0015356.

gnomAD v4.1: 26 of 1,613,296 alleles (0.0016%); highest among the groups gnomAD compares: Admixed American, 0.0067%; no homozygotes.

Submission:

Ambry Genetics
Classification: Uncertain significance for Hereditary cancer-predisposing syndrome. Last evaluated: 2026-07-06. Review status: criteria provided, single submitter. Criteria: Ambry Variant Classification Scheme 2023. Collection method: clinical testing. Allele origin: germline.
Comment: The p.R72H variant (also known as c.215G>A), located in coding exon 4 of the MAX gene, results from a G to A substitution at nucleotide position 215. The arginine at codon 72 is replaced by histidine, an amino acid with highly similar properties. This amino acid position is conserved. In addition, this alteration is predicted to be tolerated by in silico analysis. Based on the available evidence, the clinical significance of this variant remains unclear.